The following is an entry in ClinVar:

NM_001127255.2(NLRP7):c.2585G>A (p.Gly862Glu)

Genes: NCR1 (natural cytotoxicity triggering receptor 1), NLRP7 (NLR family pyrin domain containing 7; minus strand). Cytogenetic location: 19q13.42.
Variant type: single nucleotide variant.
Coding change: c.2585G>A on transcript NM_001127255.2 (MANE Select); coding-DNA position 2585, G replaced by A.
Protein change: p.Gly862Glu; replaces glycine 862 with glutamic acid.
Molecular consequence: missense variant.
Genome position (GRCh38, 1-based): chr19:54,933,626, C>T on the plus strand (G>A on the coding strand, the complement: NLRP7 is on the minus strand). VCF-style: chr19-54933626-C-T. GRCh37 (hg19) VCF-style: chr19-55444994-C-T.
Other names: c.2585G>A, p.Gly862Glu (NM_001405531.1, NM_206828.4); c.2501G>A, p.Gly834Glu (NM_139176.4); short protein forms G834E, G862E.
Identifiers: ClinVar variation 3235890 (VCV003235890.3), dbSNP rs2515795221, ClinGen allele CA407858882.
Genomic context (GRCh38, chr19:54,933,626, plus strand): 5'-TACACCAAGGTCTGCAGTTTACAATCAGGGTAACTCAAGCCCTCACACAGAAACTTCACC[C>T]CTGTATCCCCAATGGGGTTCTTGGCCAAGCACAGGTGTGTCAGCTTCTTGCTGACAACCA-3'
Protein context (NP_001120727.1, residues 852-872): CLAKNPIGDT[Gly862Glu]VKFLCEGLSY

ClinVar aggregate classification (germline): Pathogenic (0 of 4 stars; one submission).

Conditions:
Hydatidiform mole, recurrent, 1 (HYDM1). Identifiers: Orphanet 254688, Orphanet 99927, MedGen C3463897, MONDO:0009273, OMIM 231090. Disease mechanism: loss of function.

gnomAD v4.1: 1 of 1,614,174 alleles (0.000062%); highest among the groups gnomAD compares: Non-Finnish European, 0.000085%; no homozygotes.

Submission:

Dr.Nikuei Genetic Center
Classification: Pathogenic for Hydatidiform mole, recurrent, 1. Review status: no assertion criteria provided. Collection method: clinical testing. Allele origin: germline. Inheritance: Autosomal recessive inheritance. Affected: yes. Observed: 1 homozygote.
Comment: The identified variant is absent from major population databases, including gnomAD, ExAC, and our local Iranian dataset, suggesting it is extremely rare. Furthermore, multiple in-silico prediction tools consistently classified the variant as pathogenic. Segregation analysis revealed that both affected sisters, who share a consistent clinical phenotype, are homozygous for the variant, supporting its clinical significance.